The following is an entry in ClinVar:

ClinVar aggregate classification (germline): Uncertain significance (1 of 4 stars; one submission).

Allele frequency attached by ClinVar (database versions not stated): ExAC 0.00001; gnomAD 0.00001; gnomAD exomes 0.00001; 1000 Genomes Project 0.00026; 1000 Genomes Project 30x 0.00042.
gnomAD v4.1: 15 of 1,193,171 alleles (0.0013%); highest among the groups gnomAD compares: African/African-American, 0.0018%; no homozygotes.

Submission:

Labcorp Genetics (formerly Invitae), Labcorp
Classification: Uncertain significance. Last evaluated: 2022-06-29. Review status: criteria provided, single submitter. Criteria: Invitae Variant Classification Sherloc (09022015). Collection method: clinical testing. Allele origin: germline.
Comment: In summary, the available evidence is currently insufficient to determine the role of this variant in disease. Therefore, it has been classified as a Variant of Uncertain Significance. Algorithms developed to predict the effect of missense changes on protein structure and function output the following: SIFT: "Deleterious"; PolyPhen-2: "Benign"; Align-GVGD: "Class C0". The proline amino acid residue is found in multiple mammalian species, which suggests that this missense change does not adversely affect protein function. ClinVar contains an entry for this variant (Variation ID: 1016367). This variant has not been reported in the literature in individuals affected with NEXMIF-related conditions. The frequency data for this variant in the population databases is considered unreliable, as metrics indicate poor data quality at this position in the gnomAD database. This sequence change replaces leucine, which is neutral and non-polar, with proline, which is neutral and non-polar, at codon 1493 of the NEXMIF protein (p.Leu1493Pro).

NM_001008537.3(NEXMIF):c.4478T>C (p.Leu1493Pro)

Gene: NEXMIF (neurite extension and migration factor; minus strand). Cytogenetic location: Xq13.3.
Variant type: single nucleotide variant.
Coding change: c.4478T>C on transcript NM_001008537.3 (MANE Select); coding-DNA position 4478, T replaced by C.
Protein change: p.Leu1493Pro; replaces leucine 1493 with proline.
Molecular consequence: missense variant.
Genome position (GRCh38, 1-based): chrX:74,739,478, A>G on the plus strand (T>C on the coding strand, the complement: NEXMIF is on the minus strand). VCF-style: chrX-74739478-A-G. GRCh37 (hg19) VCF-style: chrX-73959313-A-G.
Other names: short protein forms L1493P.
Identifiers: ClinVar variation 1016367 (VCV001016367.9), dbSNP rs770049770, ClinGen allele CA10454814.
Genomic context (GRCh38, chrX:74,739,478, plus strand): 5'-TGGAAAATGCGAGTCTCTTCTTCAAACACAGGTAAAACCCAAAAGGTTGTTTCTGCTTTT[A>G]GGAGATTGTAGTCGGAATCCCTGCAGAAAAATCAAACAATTTATGCCATCTGAGTTAGTT-3'
Protein context (NP_001008537.1, residues 1483-1503): EKLRDSDYNL[Leu1493Pro]KAETTFWVLP